The following is an entry in ClinVar:

NM_017433.5(MYO3A):c.1841C>T (p.Ser614Phe)

Gene: MYO3A (myosin IIIA; plus strand). Cytogenetic location: 10p12.1.
Variant type: single nucleotide variant.
Coding change: c.1841C>T on transcript NM_017433.5 (MANE Select); coding-DNA position 1841, C replaced by T.
Protein change: p.Ser614Phe; replaces serine 614 with phenylalanine.
Molecular consequence: missense variant.
Genome position (GRCh38, 1-based): chr10:26,120,740, C>T. VCF-style: chr10-26120740-C-T. GRCh37 (hg19) VCF-style: chr10-26409669-C-T.
Other names: short protein forms S614F.
Identifiers: ClinVar variation 1406171 (VCV001406171.6), dbSNP rs754267104, ClinGen allele CA5444792.
Genomic context (GRCh38, chr10:26,120,740, plus strand): 5'-TTGGTAGTATATACAGCATACTCGCTGCAATCTTGAATGTTGGCAACATTGAATTTTCTT[C>T]TGTGGCAACTGAACACCAGATTGACAAGAGCCACATTTCTAATCATACAGCCCTGGAGAA-3'
Protein context (NP_059129.3, residues 604-624): ILNVGNIEFS[Ser614Phe]VATEHQIDKS

ClinVar aggregate classification (germline): Uncertain significance (1 of 4 stars; one submission).

Allele frequency attached by ClinVar (database versions not stated): ExAC 0.00001; gnomAD 0.00001.
gnomAD v4.1: 29 of 1,613,940 alleles (0.0018%); highest among the groups gnomAD compares: Middle Eastern, 0.016%; no homozygotes.

Submission:

Labcorp Genetics (formerly Invitae), Labcorp
Classification: Uncertain significance. Last evaluated: 2022-03-22. Review status: criteria provided, single submitter. Criteria: Invitae Variant Classification Sherloc (09022015). Collection method: clinical testing. Allele origin: germline.
Comment: In summary, the available evidence is currently insufficient to determine the role of this variant in disease. Therefore, it has been classified as a Variant of Uncertain Significance. Algorithms developed to predict the effect of missense changes on protein structure and function are either unavailable or do not agree on the potential impact of this missense change (SIFT: "Deleterious"; PolyPhen-2: "Possibly Damaging"; Align-GVGD: "Class C15"). This missense change has been observed in individual(s) with congenital deafness (PMID: 27063751). This variant is present in population databases (rs754267104, gnomAD 0.002%). This sequence change replaces serine, which is neutral and polar, with phenylalanine, which is neutral and non-polar, at codon 614 of the MYO3A protein (p.Ser614Phe).

Literature cited by the submitters: PubMed 27063751.